The following is an entry in ClinVar:

NM_004006.3(DMD):c.2803+5_2803+8del

Gene: DMD (dystrophin; minus strand). Cytogenetic location: Xp21.1.
Variant type: Microsatellite.
Coding change: c.2803+5_2803+8del on transcript NM_004006.3 (MANE Select); bases 5 to 8 of the intron after coding-DNA position 2803, 4 bases deleted (GTAA; older notation c.2803+5_2803+8delGTAA).
Molecular consequence: splice donor variant.
Genome position (GRCh38, 1-based): chrX:32,484,911-32,484,914, TTAC deleted on the plus strand (GTAA on the coding strand, the reverse complement: DMD is on the minus strand); deleting any 4 consecutive bases within chrX:32,484,911-32,484,920 gives the same sequence; the c. name uses the placement nearest the transcript's 3' end. VCF-style (leftmost placement, unchanged base first): chrX-32484910-TTTAC-T. GRCh37 (hg19) VCF-style: chrX-32503027-TTTAC-T.
Other names: c.2779+5_2779+8del (NM_000109.4); c.2791+5_2791+8del (NM_004009.3); c.2434+5_2434+8del (NM_004010.3).
Identifiers: ClinVar variation 1072120 (VCV001072120.8), dbSNP rs2148582421, ClinGen allele CA2580616937.

ClinVar aggregate classification (germline): Pathogenic (1 of 4 stars; one submission).

Conditions:
Duchenne muscular dystrophy (DMD). Also called: MUSCULAR DYSTROPHY, PSEUDOHYPERTROPHIC PROGRESSIVE, DUCHENNE TYPE; Duchenne Muscular Dystrophy (DMD). Identifiers: Orphanet 98896, MedGen C0013264, MONDO:0010679, OMIM 310200.

Submission:

Labcorp Genetics (formerly Invitae), Labcorp
Classification: Pathogenic for Duchenne muscular dystrophy. Last evaluated: 2020-01-18. Review status: criteria provided, single submitter. Criteria: Invitae Variant Classification Sherloc (09022015). Collection method: clinical testing. Allele origin: germline.
Comment: This sequence change falls in intron 21 of the DMD gene. It does not directly change the encoded amino acid sequence of the DMD protein, but it affects a nucleotide within the consensus splice site of the intron. This variant is not present in population databases (ExAC no frequency). This variant has been observed in individual(s) with clinical features of Duchenne muscular dystrophy (PMID: 19937601, 26148721). In at least one individual the variant was observed to be de novo. Nucleotide substitutions within the consensus splice site are a relatively common cause of aberrant splicing (PMID: 17576681, 9536098). Experimental studies have shown that this variant disrupts mRNA splicing (PMID: 26148721). For these reasons, this variant has been classified as Pathogenic.

Literature cited by the submitters: PubMed 19937601; PubMed 26148721; PubMed 17576681; PubMed 9536098.